The following is an entry in ClinVar:

NM_001261826.3(AP3D1):c.1795C>T (p.Leu599Phe)

Gene: AP3D1 (adaptor related protein complex 3 subunit delta 1; minus strand). Cytogenetic location: 19p13.3.
Variant type: single nucleotide variant.
Coding change: c.1795C>T on transcript NM_001261826.3 (MANE Select); coding-DNA position 1795, C replaced by T.
Protein change: p.Leu599Phe; replaces leucine 599 with phenylalanine.
Molecular consequence: missense variant.
Genome position (GRCh38, 1-based): chr19:2,117,286, G>A on the plus strand (C>T on the coding strand, the complement: AP3D1 is on the minus strand). VCF-style: chr19-2117286-G-A. GRCh37 (hg19) VCF-style: chr19-2117285-G-A.
Other names: c.1795C>T, p.Leu599Phe (NM_001374799.1, NM_003938.8); short protein forms L599F.
Identifiers: ClinVar variation 2096984 (VCV002096984.4), dbSNP rs1371701005, ClinGen allele CA403219613.

ClinVar aggregate classification (germline): Uncertain significance (1 of 4 stars; one submission).

gnomAD v4.1: 2 of 1,612,938 alleles (0.00012%); highest among the groups gnomAD compares: East Asian, 0.0022%; no homozygotes.

Submission:

Labcorp Genetics (formerly Invitae), Labcorp
Classification: Uncertain significance. Last evaluated: 2024-06-05. Review status: criteria provided, single submitter. Criteria: Invitae Variant Classification Sherloc (09022015). Collection method: clinical testing. Allele origin: germline.
Comment: This sequence change replaces leucine, which is neutral and non-polar, with phenylalanine, which is neutral and non-polar, at codon 599 of the AP3D1 protein (p.Leu599Phe). This variant is present in population databases (no rsID available, gnomAD 0.003%). This variant has not been reported in the literature in individuals affected with AP3D1-related conditions. ClinVar contains an entry for this variant (Variation ID: 2096984). An algorithm developed to predict the effect of missense changes on protein structure and function (PolyPhen-2) suggests that this variant is likely to be disruptive. In summary, the available evidence is currently insufficient to determine the role of this variant in disease. Therefore, it has been classified as a Variant of Uncertain Significance.